The following is an entry in ClinVar:

ClinVar aggregate classification (germline): Uncertain significance (1 of 4 stars; one submission).

Allele frequency attached by ClinVar (database versions not stated): TOPMed below 0.00001; gnomAD 0.00001.
gnomAD v4.1: 2 of 1,613,708 alleles (0.00012%); highest among the groups gnomAD compares: African/African-American, 0.0013%; no homozygotes.

Submission:

Labcorp Genetics (formerly Invitae), Labcorp
Classification: Uncertain significance. Last evaluated: 2022-08-15. Review status: criteria provided, single submitter. Criteria: Invitae Variant Classification Sherloc (09022015). Collection method: clinical testing. Allele origin: germline.
Comment: This sequence change replaces proline, which is neutral and non-polar, with arginine, which is basic and polar, at codon 5511 of the HMCN1 protein (p.Pro5511Arg). This variant is not present in population databases (gnomAD no frequency). This variant has not been reported in the literature in individuals affected with HMCN1-related conditions. ClinVar contains an entry for this variant (Variation ID: 1462252). Algorithms developed to predict the effect of missense changes on protein structure and function are either unavailable or do not agree on the potential impact of this missense change (SIFT: "Deleterious"; PolyPhen-2: "Benign"; Align-GVGD: "Class C15"). In summary, the available evidence is currently insufficient to determine the role of this variant in disease. Therefore, it has been classified as a Variant of Uncertain Significance.

NM_031935.3(HMCN1):c.16532C>G (p.Pro5511Arg)

Genes: HMCN1 (hemicentin 1; plus strand), LOC126805953 (P300/CBP strongly-dependent group 1 enhancer GRCh37_chr1:186156636-186157835; plus strand). Cytogenetic location: 1q31.1.
Variant type: single nucleotide variant.
Coding change: c.16532C>G on transcript NM_031935.3 (MANE Select); coding-DNA position 16532, C replaced by G.
Protein change: p.Pro5511Arg; replaces proline 5511 with arginine.
Molecular consequence: missense variant.
Genome position (GRCh38, 1-based): chr1:186,188,000, C>G. VCF-style: chr1-186188000-C-G. GRCh37 (hg19) VCF-style: chr1-186157132-C-G.
Other names: short protein forms P5511R.
Identifiers: ClinVar variation 1462252 (VCV001462252.3), dbSNP rs762279341, ClinGen allele CA343904460.